The following is an entry in ClinVar:

ClinVar aggregate classification (germline): Likely benign. Review status: criteria provided, multiple submitters, no conflicts (2 of 4 stars). 4 submissions from 4 submitters: Likely benign (4). Last evaluated 2025-04-08.

Conditions:
Familial adenomatous polyposis 1 (FAP1). Also called: POLYPOSIS, ADENOMATOUS INTESTINAL; FAMILIAL ADENOMATOUS POLYPOSIS 1, ATTENUATED. Identifiers: MedGen C2713442, MONDO:0021056, OMIM 175100. Disease mechanism: loss of function.
Hereditary cancer-predisposing syndrome. Also called: Hereditary Cancer Syndrome; Neoplastic Syndromes, Hereditary; Tumor predisposition; Hereditary neoplastic syndrome. Identifiers: Orphanet 140162, MedGen C0027672, MeSH D009386, MONDO:0015356.

Allele frequency attached by ClinVar (database versions not stated): gnomAD exomes below 0.00001.
gnomAD v4.1: 1 of 1,538,264 alleles (0.000065%); highest among the groups gnomAD compares: Middle Eastern, 0.018%; no homozygotes.

Submissions (4):

Labcorp Genetics (formerly Invitae), Labcorp
Classification: Likely benign for Familial adenomatous polyposis 1. Last evaluated: 2025-04-08. Review status: criteria provided, single submitter. Criteria: Invitae Variant Classification Sherloc (09022015). Collection method: clinical testing. Allele origin: germline.

Myriad Genetics, Inc.
Classification: Likely benign for Familial adenomatous polyposis 1. Last evaluated: 2024-02-22. Review status: criteria provided, single submitter. Criteria: Myriad Autosomal Dominant, Autosomal Recessive and X-Linked Classification Criteria (2023). Collection method: clinical testing. Allele origin: unknown.
Comment: This variant is considered likely benign. This variant is intronic and is not expected to impact mRNA splicing.

GeneDx
Classification: Likely benign. Last evaluated: 2019-06-26. Review status: criteria provided, single submitter. Criteria: GeneDx Variant Classification Process June 2021. Collection method: clinical testing. Allele origin: germline. Affected: yes.

Color Diagnostics, LLC DBA Color Health
Classification: Likely benign for Hereditary cancer-predisposing syndrome. Last evaluated: 2017-02-14. Review status: criteria provided, single submitter. Criteria: ACMG Guidelines, 2015. Collection method: clinical testing. Allele origin: germline.

NM_000038.6(APC):c.136-12T>C

Gene: APC (APC regulator of Wnt signaling pathway; plus strand). Cytogenetic location: 5q22.2.
Variant type: single nucleotide variant.
Coding change: c.136-12T>C on transcript NM_000038.6 (MANE Select); 12 bases into the intron before coding-DNA position 136, T replaced by C.
Molecular consequence: intron variant.
Genome position (GRCh38, 1-based): chr5:112,766,314, T>C. VCF-style: chr5-112766314-T-C. GRCh37 (hg19) VCF-style: chr5-112102011-T-C.
Other names: c.136-12T>C (NM_001354895.2, NM_001127510.3, NM_001354896.2 and 2 more transcripts); c.166-12T>C (NM_001354897.2, NM_001354902.2, NM_001127511.3); c.61-12T>C (NM_001354898.2, NM_001354904.2); c.-900-12T>C (NM_001354906.2); c.-42-12T>C (NM_001354900.2, NM_001354901.2, NM_001354905.2).
Identifiers: ClinVar variation 490196 (VCV000490196.15), dbSNP rs1554069478, ClinGen allele CA658683398.